The following is an entry in ClinVar:

ClinVar aggregate classification (germline): Uncertain significance (1 of 4 stars; one submission).

Conditions:
Progressive sclerosing poliodystrophy (MTDPS4A). Also called: Mitochondrial DNA Depletion Syndrome 4A; ALPERS PROGRESSIVE INFANTILE POLIODYSTROPHY; NEURONAL DEGENERATION OF CHILDHOOD WITH LIVER DISEASE, PROGRESSIVE; Mitochondrial DNA depletion syndrome 4A (Alpers type); Alpers Syndrome; ALPERS DIFFUSE DEGENERATION OF CEREBRAL GRAY MATTER WITH HEPATIC CIRRHOSIS. Identifiers: Orphanet 726, MedGen C0205710, MONDO:0008758, OMIM 203700.

Submission:

Labcorp Genetics (formerly Invitae), Labcorp
Classification: Uncertain significance for Progressive sclerosing poliodystrophy. Last evaluated: 2022-05-20. Review status: criteria provided, single submitter. Criteria: Invitae Variant Classification Sherloc (09022015). Collection method: clinical testing. Allele origin: germline.
Comment: This sequence change replaces glutamine, which is neutral and polar, with histidine, which is basic and polar, at codon 330 of the POLG protein (p.Gln330His). This variant is not present in population databases (gnomAD no frequency). This variant has not been reported in the literature in individuals affected with POLG-related conditions. Algorithms developed to predict the effect of missense changes on protein structure and function output the following: SIFT: "Tolerated"; PolyPhen-2: "Benign"; Align-GVGD: "Class C0". The histidine amino acid residue is found in multiple mammalian species, which suggests that this missense change does not adversely affect protein function. In summary, the available evidence is currently insufficient to determine the role of this variant in disease. Therefore, it has been classified as a Variant of Uncertain Significance.

NM_002693.3(POLG):c.990G>T (p.Gln330His)

Gene: POLG (DNA polymerase gamma, catalytic subunit; minus strand). Cytogenetic location: 15q26.1.
Variant type: single nucleotide variant.
Coding change: c.990G>T on transcript NM_002693.3 (MANE Select); coding-DNA position 990, G replaced by T.
Protein change: p.Gln330His; replaces glutamine 330 with histidine.
Molecular consequence: missense variant.
Genome position (GRCh38, 1-based): chr15:89,328,976, C>A on the plus strand (G>T on the coding strand, the complement: POLG is on the minus strand). VCF-style: chr15-89328976-C-A. GRCh37 (hg19) VCF-style: chr15-89872207-C-A.
Other names: c.990G>T, p.Gln330His (NM_001126131.2); short protein forms Q330H.
Identifiers: ClinVar variation 1997172 (VCV001997172.1), dbSNP rs2509262012, ClinGen allele CA393765475.
Genomic context (GRCh38, chr15:89,328,976, plus strand): 5'-TCCTGCCCACCGGCAGTGTGCTCTCACCGCTGGGCCTCTTCTGGCTTTCCTCTGGGACTT[C>A]TGGCCTTGCTTTGTGGGGGGCTGGACCTTGTGTTTGCCCTGCTTGGCTGCTATCCACAGA-3'
Protein context (NP_002684.1, residues 320-340): HKVQPPTKQG[Gln330His]KSQRKARRGP